The following is an entry in ClinVar:

ClinVar aggregate classification (germline): Conflicting classifications of pathogenicity. Review status: criteria provided, conflicting classifications (1 of 4 stars). 4 submissions from 4 submitters: Likely pathogenic (3); Uncertain significance (1). Last evaluated 2025-09-10.

Conditions:
Hypertrophic osteoarthropathy, primary, autosomal recessive, 2 (PHOAR2E). Also called: HYPERTROPHIC OSTEOARTHROPATHY, PRIMARY, AUTOSOMAL RECESSIVE, 2/ENTEROPATHY SYNDROME; PACHYDERMOPERIOSTOSIS, AUTOSOMAL RECESSIVE; PDP, AUTOSOMAL RECESSIVE; PHOAR2-enteropathy syndrome. Identifiers: Orphanet 2796, MedGen C3280800, MONDO:0013756, OMIM 614441.

Allele frequency attached by ClinVar (database versions not stated): gnomAD exomes 0.00006 and 0.00001; ExAC 0.00007; gnomAD 0.00028 and 0.00024; 1000 Genomes Project 30x 0.00031; 1000 Genomes Project 0.00040; TOPMed 0.00024; ESP Exome Variant Server 0.00023.
gnomAD v4.1: 61 of 1,614,212 alleles (0.0038%); highest among the groups gnomAD compares: African/African-American, 0.072%; no homozygotes.

Submissions (5):

Genomic Medicine Center of Excellence, King Faisal Specialist Hospital and Research Centre
Classification: Uncertain significance for Hypertrophic osteoarthropathy, primary, autosomal recessive, 2. Last evaluated: 2025-09-10. Review status: criteria provided, single submitter. Criteria: ACMG Guidelines, 2015. Collection method: clinical testing. Allele origin: germline.

Labcorp Genetics (formerly Invitae), Labcorp
Classification: Likely pathogenic. Last evaluated: 2025-06-12. Review status: criteria provided, single submitter. Criteria: Invitae Variant Classification Sherloc (09022015). Collection method: clinical testing. Allele origin: germline.
Comment: This sequence change affects a donor splice site in intron 2 of the SLCO2A1 gene. It is expected to disrupt RNA splicing. Variants that disrupt the donor or acceptor splice site typically lead to a loss of protein function (PMID: 16199547), and loss-of-function variants in SLCO2A1 are known to be pathogenic (PMID: 22553128, 23509104). This variant is present in population databases (rs149946676, gnomAD 0.07%). Disruption of this splice site has been observed in individual(s) with clinical features of hypertrophic osteoarthropathy (PMID: 36549465; internal data). ClinVar contains an entry for this variant (Variation ID: 1197704). Algorithms developed to predict the effect of sequence changes on RNA splicing suggest that this variant may disrupt the consensus splice site. In summary, the currently available evidence indicates that the variant is pathogenic, but additional data are needed to prove that conclusively. Therefore, this variant has been classified as Likely Pathogenic.

GeneDx
Classification: Likely pathogenic. Last evaluated: 2020-12-07. Review status: criteria provided, single submitter. Criteria: GeneDx Variant Classification Process June 2021. Collection method: clinical testing. Allele origin: germline. Affected: yes.
Comment: Canonical splice site variant predicted to result in aberrant splicing in a gene for which loss-of-function is a known mechanism of disease; Has not been previously published as pathogenic or benign to our knowledge

Revvity Omics, Revvity
Classification: Likely pathogenic. Last evaluated: 2019-04-05. Review status: criteria provided, single submitter. Criteria: ACMG Guidelines, 2015. Collection method: clinical testing. Allele origin: germline.

Dr. Peter K. Rogan Lab, Western University
No classification provided (evidence only). Condition: Thymoma. Review status: no classification provided. Collection method: in vitro. Allele origin: not applicable. Functional consequence: retained intron. Not counted in ClinVar's aggregate classification.

Literature cited by the submitters: PubMed 16199547 (cited by Labcorp Genetics (formerly Invitae), Labcorp); PubMed 22553128 (cited by Labcorp Genetics (formerly Invitae), Labcorp); PubMed 23509104 (cited by Labcorp Genetics (formerly Invitae), Labcorp); PubMed 36549465 (cited by Labcorp Genetics (formerly Invitae), Labcorp).

NM_005630.3(SLCO2A1):c.234+1G>A

Gene: SLCO2A1 (solute carrier organic anion transporter family member 2A1; minus strand). Cytogenetic location: 3q22.1.
Variant type: single nucleotide variant.
Coding change: c.234+1G>A on transcript NM_005630.3 (MANE Select); the canonical splice donor site of the intron after coding-DNA position 234, G replaced by A.
Molecular consequence: splice donor variant.
Genome position (GRCh38, 1-based): chr3:133,979,480, C>T on the plus strand (G>A on the coding strand, the complement: SLCO2A1 is on the minus strand). VCF-style: chr3-133979480-C-T. GRCh37 (hg19) VCF-style: chr3-133698324-C-T.
Identifiers: ClinVar variation 1197704 (VCV001197704.12), dbSNP rs149946676, ClinGen allele CA2626903.